The following is an entry in ClinVar:

ClinVar aggregate classification (germline): Uncertain significance (1 of 4 stars; one submission).

Conditions:
Spermatogenic failure 9 (SPGF9). Also called: GLOBOZOOSPERMIA, TOTAL; GLOBOZOOSPERMIA, COMPLETE. Identifiers: Orphanet 171709, MedGen C3151407, MONDO:0013505, OMIM 613958.

Submission:

Foundation for Research in Genetics and Endocrinology, FRIGE's Institute of Human Genetics
Classification: Uncertain significance for Spermatogenic failure 9. Last evaluated: 2024-07-01. Review status: criteria provided, single submitter. Criteria: ACMG Guidelines, 2015. Collection method: clinical testing. Allele origin: germline. Inheritance: Autosomal recessive inheritance. Affected: yes.
Comment: A continguous large homozygous deletion of size 109.7 kb on chromosome 12 (chr12:g.(?_63952693)_(64062354_?)del. This structural variant affects 1 domain in 1 protein: D19L2_HUMAN reported in UniProt regions. Based on the above evidence, the variant is classified as a variant of uncertain significance according to the ACMG-AMP classification system and ClinGen framework. Contiguous deletion of this genes have previously been reported in the literature [PMID: 32582379, PMID: 21397064].

Literature cited by the submitters: PubMed 32582379; PubMed 21397064.

NC_000012.11:g.63952693_64062354del

Gene: DPY19L2 (dpy-19 like 2; minus strand). Cytogenetic location: 12q14.2.
Variant type: Deletion.
Other names: DEL:DPY19L2.
Identifiers: ClinVar variation 3248627 (VCV003248627.2).